The following is an entry in ClinVar:

NM_020831.6(MRTFA):c.2614C>T (p.Pro872Ser)

Gene: MRTFA (myocardin related transcription factor A; minus strand). Cytogenetic location: 22q13.1.
Variant type: single nucleotide variant.
Coding change: c.2614C>T on transcript NM_020831.6 (MANE Select); coding-DNA position 2614, C replaced by T.
Protein change: p.Pro872Ser; replaces proline 872 with serine.
Molecular consequence: missense variant.
Genome position (GRCh38, 1-based): chr22:40,411,872, G>A on the plus strand (C>T on the coding strand, the complement: MRTFA is on the minus strand). VCF-style: chr22-40411872-G-A. GRCh37 (hg19) VCF-style: chr22-40807876-G-A.
Other names: c.2314C>T, p.Pro772Ser (NM_001282660.2); c.2464C>T, p.Pro822Ser (NM_001282661.3); c.2624C>T, p.Ala875Val (NM_001282662.3); c.2419C>T, p.Pro807Ser (NM_001318139.2); short protein forms A875V, P772S, P807S, P822S, P872S.
Identifiers: ClinVar variation 2810244 (VCV002810244.3), dbSNP rs1289778291, ClinGen allele CA411654106.
Genomic context (GRCh38, chr22:40,411,872, plus strand): 5'-ATGGCTGTGCTGCCAGGGGGGACCCACAGACTGTCTTCGGGGATGGCTTCTCCTTCCCTG[G>A]CAGGGATGGCGGCTCCTTGAAATCTGCTGAAATTTCTGCCAATCAATCAAGAGAGTAAAT-3'
Protein context (NP_065882.2, residues 862-882): SADFKEPPSL[Pro872Ser]GKEKPSPKTV

ClinVar aggregate classification (germline): Uncertain significance (1 of 4 stars; one submission).

Submission:

Labcorp Genetics (formerly Invitae), Labcorp
Classification: Uncertain significance. Last evaluated: 2022-11-21. Review status: criteria provided, single submitter. Criteria: Invitae Variant Classification Sherloc (09022015). Collection method: clinical testing. Allele origin: germline.
Comment: In summary, the available evidence is currently insufficient to determine the role of this variant in disease. Therefore, it has been classified as a Variant of Uncertain Significance. Algorithms developed to predict the effect of missense changes on protein structure and function output the following: SIFT: "Deleterious"; PolyPhen-2: "Benign"; Align-GVGD: "Class C0". The serine amino acid residue is found in multiple mammalian species, which suggests that this missense change does not adversely affect protein function. This variant has not been reported in the literature in individuals affected with MKL1-related conditions. This variant is not present in population databases (gnomAD no frequency). This sequence change replaces proline, which is neutral and non-polar, with serine, which is neutral and polar, at codon 772 of the MKL1 protein (p.Pro772Ser).